The following is an entry in ClinVar:

ClinVar aggregate classification (germline): Conflicting classifications of pathogenicity. Review status: criteria provided, conflicting classifications (1 of 4 stars). 3 submissions from 3 submitters: Uncertain significance (2); Likely benign (1). Last evaluated 2024-03-01.

Conditions:
Spastic paraplegia. Identifiers: MedGen C0037772, HP:0001258.
Inborn genetic diseases. Identifiers: MedGen C0950123, MeSH D030342.

Allele frequency attached by ClinVar (database versions not stated): ExAC 0.00002; gnomAD 0.00004; gnomAD exomes 0.00004; TOPMed 0.00005; ESP Exome Variant Server 0.00015.
gnomAD v4.1: 70 of 1,614,004 alleles (0.0043%); highest among the groups gnomAD compares: Non-Finnish European, 0.0051%; no homozygotes.

Submissions (3):

Ambry Genetics
Classification: Uncertain significance for Inborn genetic diseases. Last evaluated: 2024-03-01. Review status: criteria provided, single submitter. Criteria: Ambry Variant Classification Scheme 2023. Collection method: clinical testing. Allele origin: germline.

CeGaT Center for Human Genetics Tuebingen
Classification: Likely benign. Last evaluated: 2024-01-01. Review status: criteria provided, single submitter. Criteria: CeGaT Center For Human Genetics Tuebingen Variant Classification Criteria Version 2. Collection method: clinical testing. Allele origin: germline. Affected: yes. Observed: 1 variant allele.
Comment: ZFYVE26: BP4

Labcorp Genetics (formerly Invitae), Labcorp
Classification: Uncertain significance for Spastic paraplegia. Last evaluated: 2022-07-06. Review status: criteria provided, single submitter. Criteria: Invitae Variant Classification Sherloc (09022015). Collection method: clinical testing. Allele origin: germline.
Comment: This sequence change replaces arginine, which is basic and polar, with glutamine, which is neutral and polar, at codon 1006 of the ZFYVE26 protein (p.Arg1006Gln). This variant is present in population databases (rs149330072, gnomAD 0.006%). This variant has not been reported in the literature in individuals affected with ZFYVE26-related conditions. Algorithms developed to predict the effect of missense changes on protein structure and function output the following: SIFT: "Deleterious"; PolyPhen-2: "Benign"; Align-GVGD: "Class C0". The glutamine amino acid residue is found in multiple mammalian species, which suggests that this missense change does not adversely affect protein function. In summary, the available evidence is currently insufficient to determine the role of this variant in disease. Therefore, it has been classified as a Variant of Uncertain Significance.

NM_015346.4(ZFYVE26):c.3017G>A (p.Arg1006Gln)

Gene: ZFYVE26 (zinc finger FYVE-type containing 26; minus strand). Cytogenetic location: 14q24.1.
Variant type: single nucleotide variant.
Coding change: c.3017G>A on transcript NM_015346.4 (MANE Select); coding-DNA position 3017, G replaced by A.
Protein change: p.Arg1006Gln; replaces arginine 1006 with glutamine.
Molecular consequence: missense variant.
Genome position (GRCh38, 1-based): chr14:67,789,337, C>T on the plus strand (G>A on the coding strand, the complement: ZFYVE26 is on the minus strand). VCF-style: chr14-67789337-C-T. GRCh37 (hg19) VCF-style: chr14-68256054-C-T.
Other names: c.3017G>A (NM_015346.3); short protein forms R1006Q.
Identifiers: ClinVar variation 2150663 (VCV002150663.24), dbSNP rs149330072, ClinGen allele CA7240129.
Genomic context (GRCh38, chr14:67,789,337, plus strand): 5'-CTCTCAGAAACCCATCTCATTTGAGAATGAAGGGATACAGCTAACACAGCACACTCACCC[C>T]GCCTTTCAAGGCTACTATTCAAACGCCGTTCGGCTGTCTCCAAAAGCTGCTTGCAGGTTT-3'
Protein context (NP_056161.2, residues 996-1016): ERRLNSSLER[Arg1006Gln]GRRIDHVLLN